The following is an entry in ClinVar:

NM_001145678.3(KIAA0825):c.3452A>G (p.Asn1151Ser)

Gene: KIAA0825 (KIAA0825; minus strand). Cytogenetic location: 5q15.
Variant type: single nucleotide variant.
Coding change: c.3452A>G on transcript NM_001145678.3 (MANE Select); coding-DNA position 3452, A replaced by G.
Protein change: p.Asn1151Ser; replaces asparagine 1151 with serine.
Molecular consequence: missense variant. On other transcripts: non-coding transcript variant (1).
Genome position (GRCh38, 1-based): chr5:94,391,539, T>C on the plus strand (A>G on the coding strand, the complement: KIAA0825 is on the minus strand). VCF-style: chr5-94391539-T-C. GRCh37 (hg19) VCF-style: chr5-93727244-T-C.
Other names: NC_000005.9:g.93727244T>C; c.3467A>G, p.Asn1156Ser (NM_001385712.1, NM_001385713.1, NM_001388325.1); short protein forms N1151S, N1156S.
Identifiers: ClinVar variation 3035003 (VCV003035003.3), dbSNP rs75413171, ClinGen allele CA3343970.

ClinVar aggregate classification (germline): Benign (0 of 4 stars; one submission).

Conditions:
KIAA0825-related disorder. Also called: KIAA0825-related condition.

Allele frequency attached by ClinVar (database versions not stated): gnomAD exomes 0.00018; gnomAD 0.00041; TOPMed 0.00041; ExAC 0.00051; 1000 Genomes Project 0.00180.
gnomAD v4.1: 356 of 1,549,718 alleles (0.023%); highest among the groups gnomAD compares: East Asian, 0.67%; 2 homozygotes.

Submissions (2):

PreventionGenetics, part of Exact Sciences
Classification: Benign for KIAA0825-related condition. Last evaluated: 2024-07-10. Review status: no assertion criteria provided. Collection method: clinical testing. Allele origin: germline.
Comment: This variant is classified as benign based on ACMG/AMP sequence variant interpretation guidelines (Richards et al. 2015 PMID: 25741868, with internal and published modifications).

Dr. Peter K. Rogan Lab, Western University
No classification provided (evidence only). Condition: Familial cancer of breast. Review status: no classification provided. Collection method: in vitro. Allele origin: not applicable. Functional consequence: retained intron. Not counted in ClinVar's aggregate classification.